The following is an entry in ClinVar:

ClinVar aggregate classification (germline): Uncertain significance (1 of 4 stars; one submission).

gnomAD v4.1: 1 of 1,614,054 alleles (0.000062%); highest among the groups gnomAD compares: Non-Finnish European, 0.000085%; no homozygotes.

Submission:

Labcorp Genetics (formerly Invitae), Labcorp
Classification: Uncertain significance. Last evaluated: 2025-03-10. Review status: criteria provided, single submitter. Criteria: Invitae Variant Classification Sherloc (09022015). Collection method: clinical testing. Allele origin: germline.
Comment: This sequence change replaces arginine, which is basic and polar, with serine, which is neutral and polar, at codon 188 of the FGF12 protein (p.Arg188Ser). This variant is not present in population databases (gnomAD no frequency). This variant has not been reported in the literature in individuals affected with FGF12-related conditions. Invitae Evidence Modeling of protein sequence and biophysical properties (such as structural, functional, and spatial information, amino acid conservation, physicochemical variation, residue mobility, and thermodynamic stability) has been performed for this missense variant. However, the output from this modeling did not meet the statistical confidence thresholds required to predict the impact of this variant on FGF12 protein function. In summary, the available evidence is currently insufficient to determine the role of this variant in disease. Therefore, it has been classified as a Variant of Uncertain Significance.

NM_004113.6(FGF12):c.378A>C (p.Arg126Ser)

Gene: FGF12 (fibroblast growth factor 12; minus strand). Cytogenetic location: 3q28.
Variant type: single nucleotide variant.
Coding change: c.378A>C on transcript NM_004113.6 (MANE Select); coding-DNA position 378, A replaced by C.
Protein change: p.Arg126Ser; replaces arginine 126 with serine.
Molecular consequence: missense variant.
Genome position (GRCh38, 1-based): chr3:192,170,507, T>G on the plus strand (A>C on the coding strand, the complement: FGF12 is on the minus strand). VCF-style: chr3-192170507-T-G. GRCh37 (hg19) VCF-style: chr3-191888296-T-G.
Other names: c.267A>C, p.Arg89Ser (NM_001377292.1); c.306A>C, p.Arg102Ser (NM_001377293.1, NM_001377294.1); c.564A>C, p.Arg188Ser (NM_021032.5); short protein forms R102S, R89S, R126S, R188S.
Identifiers: ClinVar variation 3642873 (VCV003642873.2).